The following is an entry in ClinVar:

NM_000074.3(CD40LG):c.677G>C (p.Gly226Ala)

Gene: CD40LG (CD40 ligand; plus strand). Cytogenetic location: Xq26.3.
Variant type: single nucleotide variant.
Coding change: c.677G>C on transcript NM_000074.3 (MANE Select); coding-DNA position 677, G replaced by C.
Protein change: p.Gly226Ala; replaces glycine 226 with alanine.
Molecular consequence: missense variant.
Genome position (GRCh38, 1-based): chrX:136,659,306, G>C. VCF-style: chrX-136659306-G-C. GRCh37 (hg19) VCF-style: chrX-135741465-G-C.
Other names: short protein forms G226A.
Identifiers: ClinVar variation 3907351 (VCV003907351.1).

ClinVar aggregate classification (germline): Uncertain significance (1 of 4 stars; one submission).

Submission:

Women's Health and Genetics/Laboratory Corporation of America, LabCorp
Classification: Uncertain significance. Last evaluated: 2025-06-05. Review status: criteria provided, single submitter. Criteria: LabCorp Variant Classification Summary - May 2015. Collection method: clinical testing. Allele origin: germline.
Comment: Variant summary: CD40LG c.677G>C (p.Gly226Ala) results in a non-conservative amino acid change in the encoded protein sequence. Algorithms developed to predict the effect of missense changes on protein structure and function all suggest that this variant is likely to be disruptive. The variant was absent in 182044 control chromosomes. The available data on variant occurrences in the general population are insufficient to allow any conclusion about variant significance. To our knowledge, no occurrence of c.677G>C in individuals affected with Hyper IgM Syndrome, X-Linked and no experimental evidence demonstrating its impact on protein function have been reported. No submitters have cited clinical-significance assessments for this variant to ClinVar. Based on the evidence outlined above, the variant was classified as uncertain significance.

Literature cited by the submitters: PubMed 17307885; PubMed 19575287.